The following is an entry in ClinVar:

ClinVar aggregate classification (germline): Uncertain significance (1 of 4 stars; one submission).

Allele frequency attached by ClinVar (database versions not stated): gnomAD exomes below 0.00001; ExAC 0.00001; gnomAD 0.00001; TOPMed 0.00001; 1000 Genomes Project 30x 0.00016; 1000 Genomes Project 0.00020.
gnomAD v4.1: 4 of 1,613,886 alleles (0.00025%); highest among the groups gnomAD compares: South Asian, 0.0022%; no homozygotes.

Submission:

Labcorp Genetics (formerly Invitae), Labcorp
Classification: Uncertain significance. Last evaluated: 2024-12-10. Review status: criteria provided, single submitter. Criteria: Invitae Variant Classification Sherloc (09022015). Collection method: clinical testing. Allele origin: germline.
Comment: This sequence change replaces leucine, which is neutral and non-polar, with proline, which is neutral and non-polar, at codon 432 of the TTLL5 protein (p.Leu432Pro). This variant is present in population databases (rs544297180, gnomAD 0.003%). This variant has not been reported in the literature in individuals affected with TTLL5-related conditions. ClinVar contains an entry for this variant (Variation ID: 1355137). Invitae Evidence Modeling of protein sequence and biophysical properties (such as structural, functional, and spatial information, amino acid conservation, physicochemical variation, residue mobility, and thermodynamic stability) indicates that this missense variant is not expected to disrupt TTLL5 protein function with a negative predictive value of 80%. In summary, the available evidence is currently insufficient to determine the role of this variant in disease. Therefore, it has been classified as a Variant of Uncertain Significance.

NM_015072.5(TTLL5):c.1295T>C (p.Leu432Pro)

Gene: TTLL5 (tubulin tyrosine ligase like 5; plus strand). Cytogenetic location: 14q24.3.
Variant type: single nucleotide variant.
Coding change: c.1295T>C on transcript NM_015072.5 (MANE Select); coding-DNA position 1295, T replaced by C.
Protein change: p.Leu432Pro; replaces leucine 432 with proline.
Molecular consequence: missense variant.
Genome position (GRCh38, 1-based): chr14:75,745,108, T>C. VCF-style: chr14-75745108-T-C. GRCh37 (hg19) VCF-style: chr14-76211451-T-C.
Other names: short protein forms L432P.
Identifiers: ClinVar variation 1355137 (VCV001355137.8), dbSNP rs544297180, ClinGen allele CA7279343.